The following is an entry in ClinVar:

ClinVar aggregate classification (germline): Benign. Review status: criteria provided, multiple submitters, no conflicts (2 of 4 stars). 10 submissions from 6 submitters: Benign (9). 1 of the submissions does not count toward it. Last evaluated 2026-02-04.

Conditions:
Epidermolysis bullosa simplex, Ogna type (EBS5A). Also called: Pidermolysis bullosa simplex 5A, Ogna type; EPIDERMOLYSIS BULLOSA SIMPLEX 5A, OGNA TYPE. Identifiers: Orphanet 79401, MedGen C0432317, MONDO:0007555, OMIM 131950.
Autosomal recessive limb-girdle muscular dystrophy type 2Q (LGMDR17). Also called: MUSCULAR DYSTROPHY, LIMB-GIRDLE, AUTOSOMAL RECESSIVE 17. Identifiers: Orphanet 254361, MedGen C3150989, MONDO:0013390, OMIM 613723.
Epidermolysis bullosa simplex 5C, with pyloric atresia (EBS5C). Also called: PLEC-Related Epidermolysis Bullosa with Pyloric Atresia; Epidermolysis bullosa simplex with pyloric atresia; PLEC1-Related Epidermolysis Bullosa with Pyloric Atresia. Identifiers: Orphanet 158684, MedGen C2677349, MONDO:0012807, OMIM 612138.
Epidermolysis bullosa simplex with nail dystrophy (EBS5D). Identifiers: MedGen C4225309, MONDO:0014661, OMIM 616487.
Epidermolysis bullosa simplex 5B, with muscular dystrophy (EBS5B). Also called: EPIDERMOLYSIS BULLOSA SIMPLEX AND LIMB-GIRDLE MUSCULAR DYSTROPHY; Epidermolysis bullosa simplex with muscular dystrophy. Identifiers: Orphanet 257, MedGen C2931072, MONDO:0009181, OMIM 226670.

Submissions (10):

Labcorp Genetics (formerly Invitae), Labcorp
Classification: Benign for Autosomal recessive limb-girdle muscular dystrophy type 2Q; Epidermolysis bullosa simplex, Ogna type; Epidermolysis bullosa simplex with nail dystrophy; Epidermolysis bullosa simplex 5C, with pyloric atresia; Epidermolysis bullosa simplex 5B, with muscular dystrophy. Last evaluated: 2026-02-04. Review status: criteria provided, single submitter. Criteria: Invitae Variant Classification Sherloc (09022015). Collection method: clinical testing. Allele origin: germline.

Genome-Nilou Lab
Classification: Benign for Epidermolysis bullosa simplex with nail dystrophy. Last evaluated: 2021-10-25. Review status: criteria provided, single submitter. Criteria: ACMG Guidelines, 2015. Collection method: clinical testing. Allele origin: germline. Affected: no.

Genome-Nilou Lab
Classification: Benign for Epidermolysis bullosa simplex, Ogna type. Last evaluated: 2021-10-25. Review status: criteria provided, single submitter. Criteria: ACMG Guidelines, 2015. Collection method: clinical testing. Allele origin: germline. Affected: no.

Genome-Nilou Lab
Classification: Benign for Epidermolysis bullosa simplex 5B, with muscular dystrophy. Last evaluated: 2021-10-25. Review status: criteria provided, single submitter. Criteria: ACMG Guidelines, 2015. Collection method: clinical testing. Allele origin: germline. Affected: no.

Genome-Nilou Lab
Classification: Benign for Epidermolysis bullosa simplex 5C, with pyloric atresia. Last evaluated: 2021-10-25. Review status: criteria provided, single submitter. Criteria: ACMG Guidelines, 2015. Collection method: clinical testing. Allele origin: germline. Affected: no.

Genome-Nilou Lab
Classification: Benign for Autosomal recessive limb-girdle muscular dystrophy type 2Q. Last evaluated: 2021-10-25. Review status: criteria provided, single submitter. Criteria: ACMG Guidelines, 2015. Collection method: clinical testing. Allele origin: germline. Affected: no.

GeneDx
Classification: Benign. Last evaluated: 2018-06-07. Review status: criteria provided, single submitter. Criteria: GeneDx Variant Classification Process June 2021. Collection method: clinical testing. Allele origin: germline. Affected: yes.

Laboratory for Molecular Medicine, Mass General Brigham Personalized Medicine
Classification: Benign. Last evaluated: 2014-11-26. Review status: criteria provided, single submitter. Criteria: LMM Criteria. Collection method: clinical testing. Allele origin: germline. Observed: 7 variant alleles.
Comment: c.2715+13_2715+14insG in intron 19 of PLEC: This variant is not expected to have clinical significance because it has been identified in 39% (3115/8010) of Euro pean American chromosomes by the NHLBI Exome Sequencing Project (dbSNP rs35671527).

PreventionGenetics, part of Exact Sciences
Classification: Benign. Review status: criteria provided, single submitter. Criteria: ACMG Guidelines, 2015. Collection method: clinical testing. Allele origin: germline.

Eurofins Ntd Llc (ga)
Classification: Uncertain significance. Last evaluated: 2013-03-04. Review status: no assertion criteria provided. Collection method: clinical testing. Allele origin: germline. Observed: 2 variant alleles, 2 heterozygotes. Not counted in ClinVar's aggregate classification.

Literature cited by the submitters: PubMed 23757202 (cited by Eurofins Ntd Llc (ga)).

NM_201384.3(PLEC):c.2304+9dup

Gene: PLEC (plectin; minus strand). Cytogenetic location: 8q24.3.
Variant type: Duplication.
Coding change: c.2304+9dup on transcript NM_201384.3 (MANE Select); 9 bases into the intron after coding-DNA position 2304, one base duplicated (G; older notation c.2304+9dupG).
Molecular consequence: intron variant.
Genome position (GRCh38, 1-based): chr8:143,931,521, C duplicated on the plus strand (G on the coding strand, the reverse complement: PLEC is on the minus strand); the first of 5 consecutive C bases (chr8:143,931,521-143,931,525); duplicating any one gives the same sequence. VCF-style (leftmost placement, unchanged base first): chr8-143931520-A-AC. GRCh37 (hg19) VCF-style: chr8-145005688-A-AC.
Other names: c.2385+13dupG (NM_000445.4); c.2385+9dup (NM_000445.5); c.2262+9dup (NM_201378.4); c.2238+9dup (NM_201379.3); c.2715+9dup (NM_201380.4); c.2208+9dup (NM_201381.3); c.2304+9dup (NM_201382.4); c.2316+9dup (NM_201383.3).
Identifiers: ClinVar variation 93038 (VCV000093038.19), dbSNP rs35671527, ClinGen allele CA220873.